The following is an entry in ClinVar:

NM_002109.6(HARS1):c.1505_1506dup (p.Gly503fs)

Gene: HARS1 (histidyl-tRNA synthetase 1; minus strand). Cytogenetic location: 5q31.3.
Variant type: Duplication.
Coding change: c.1505_1506dup on transcript NM_002109.6 (MANE Select); coding-DNA positions 1505 to 1506, 2 bases duplicated (CA; older notation c.1505_1506dupCA).
Protein change: p.Gly503fs; shifts the reading frame from glycine 503.
Molecular consequence: frameshift variant.
Genome position (GRCh38, 1-based): chr5:140,674,281-140,674,282, TG duplicated on the plus strand (CA on the coding strand, the reverse complement: HARS1 is on the minus strand); duplicating any 2 consecutive bases within chr5:140,674,281-140,674,283 gives the same sequence; the c. name uses the placement nearest the transcript's 3' end. VCF-style (leftmost placement, unchanged base first): chr5-140674280-C-CTG. GRCh37 (hg19) VCF-style: chr5-140053865-C-CTG.
Other names: c.1385_1386dup, p.Gly463fs (NM_001258040.3); c.1445_1446dup, p.Gly483fs (NM_001258041.3); c.1325_1326dup, p.Gly443fs (NM_001258042.3); c.1283_1284dup, p.Gly429fs (NM_001289092.2); c.1163_1164dup, p.Gly389fs (NM_001289093.2); c.1418_1419dup, p.Gly474fs (NM_001289094.2); short protein forms G463fs, G474fs, G389fs, G429fs, G483fs, G443fs, G503fs.
Identifiers: ClinVar variation 2810145 (VCV002810145.3), dbSNP rs2481227114, ClinGen allele CA2739275116.

ClinVar aggregate classification (germline): Uncertain significance (1 of 4 stars; one submission).

Conditions:
Usher syndrome type 3B. Also called: USHER SYNDROME, TYPE IIIB. Identifiers: MedGen C3281066, MONDO:0013788, OMIM 614504.

Submission:

Labcorp Genetics (formerly Invitae), Labcorp
Classification: Uncertain significance for Usher syndrome type 3B. Last evaluated: 2022-10-27. Review status: criteria provided, single submitter. Criteria: Invitae Variant Classification Sherloc (09022015). Collection method: clinical testing. Allele origin: germline.
Comment: This variant is not present in population databases (gnomAD no frequency). This sequence change results in a frameshift in the HARS gene (p.Gly503Glnfs*46). While this is not anticipated to result in nonsense mediated decay, it is expected to disrupt the last 7 amino acid(s) of the HARS protein and extend the protein by 38 additional amino acid residues. This variant has not been reported in the literature in individuals affected with HARS-related conditions. In summary, the available evidence is currently insufficient to determine the role of this variant in disease. Therefore, it has been classified as a Variant of Uncertain Significance.